The following is an entry in ClinVar:

ClinVar aggregate classification (germline): Likely pathogenic (1 of 4 stars; one submission).

Conditions:
3M syndrome 2. Also called: 3-M Syndrome, OBSL1-Related; THREE M SYNDROME 2. Identifiers: Orphanet 2616, MedGen C2752041, MONDO:0013039, OMIM 612921.

Submission:

Juno Genomics, Hangzhou Juno Genomics, Inc
Classification: Likely pathogenic for 3M syndrome 2. Review status: criteria provided, single submitter. Criteria: ACMG Guidelines, 2015. Collection method: clinical testing. Allele origin: germline.
Comment: Null variant in a gene where loss of function (LOF) is a known mechanism of disease.;Absent from controls (or at extremely low frequency if recessive) in Genome Aggregation Database.

NM_015311.3(OBSL1):c.4842_4854dup (p.Ala1619fs)

Gene: OBSL1 (obscurin like cytoskeletal adaptor 1; minus strand). Cytogenetic location: 2q35.
Variant type: Duplication.
Coding change: c.4842_4854dup on transcript NM_015311.3 (MANE Select); coding-DNA positions 4842 to 4854, 13 bases duplicated (TTCCCTGCGCTGC).
Protein change: p.Ala1619fs; shifts the reading frame from alanine 1619.
Molecular consequence: frameshift variant.
Genome position (GRCh38, 1-based): chr2:219,554,496-219,554,508, GCAGCGCAGGGAA duplicated on the plus strand (TTCCCTGCGCTGC on the coding strand, the reverse complement: OBSL1 is on the minus strand). VCF-style (leftmost placement, unchanged base first): chr2-219554495-C-CGCAGCGCAGGGAA. GRCh37 (hg19) VCF-style: chr2-220419217-C-CGCAGCGCAGGGAA.
Other names: short protein forms A1619fs.
Identifiers: ClinVar variation 5006227 (VCV005006227.2).